The following is an entry in ClinVar:

NM_001042492.3(NF1):c.4452_4456del (p.Asp1485fs)

Gene: NF1 (neurofibromin 1; plus strand). Cytogenetic location: 17q11.2.
Variant type: Deletion.
Coding change: c.4452_4456del on transcript NM_001042492.3 (MANE Select); coding-DNA positions 4452 to 4456, 5 bases deleted (TGATT; older notation c.4452_4456delTGATT).
Protein change: p.Asp1485fs; shifts the reading frame from aspartic acid 1485.
Molecular consequence: frameshift variant.
Genome position (GRCh38, 1-based): chr17:31,260,390-31,260,394, TGATT deleted. VCF-style (leftmost placement, unchanged base first): chr17-31260389-CTGATT-C. GRCh37 (hg19) VCF-style: chr17-29587407-CTGATT-C.
Other names: c.4389_4393delTGATT, p.Asp1464Serfs (NM_000267.4); short protein forms D1464fs, D1485fs.
Identifiers: ClinVar variation 2015266 (VCV002015266.4), dbSNP rs2508420715, ClinGen allele CA2580093076.

ClinVar aggregate classification (germline): Pathogenic (1 of 4 stars; one submission).

Conditions:
Neurofibromatosis, type 1 (NF1). Also called: Neurofibromatosis, type I; Peripheral type neurofibromatosis; VON RECKLINGHAUSEN DISEASE; NEUROFIBROMATOSIS, TYPE I, SOMATIC. Identifiers: Orphanet 636, MedGen C0027831, MONDO:0018975, OMIM 162200. Disease mechanism: loss of function.

Submission:

Labcorp Genetics (formerly Invitae), Labcorp
Classification: Pathogenic for Neurofibromatosis, type 1. Last evaluated: 2022-07-09. Review status: criteria provided, single submitter. Criteria: Invitae Variant Classification Sherloc (09022015). Collection method: clinical testing. Allele origin: germline.
Comment: This sequence change creates a premature translational stop signal (p.Asp1464Serfs*4) in the NF1 gene. It is expected to result in an absent or disrupted protein product. Loss-of-function variants in NF1 are known to be pathogenic (PMID: 10712197, 23913538). This variant is not present in population databases (gnomAD no frequency). For these reasons, this variant has been classified as Pathogenic. Algorithms developed to predict the effect of sequence changes on RNA splicing suggest that this variant may create or strengthen a splice site. This variant has not been reported in the literature in individuals affected with NF1-related conditions.

Literature cited by the submitters: PubMed 10712197; PubMed 23913538.